The following is an entry in ClinVar:

NM_004380.3(CREBBP):c.2638C>T (p.Pro880Ser)

Gene: CREBBP (CREB binding lysine acetyltransferase; minus strand). Cytogenetic location: 16p13.3.
Variant type: single nucleotide variant.
Coding change: c.2638C>T on transcript NM_004380.3 (MANE Select); coding-DNA position 2638, C replaced by T.
Protein change: p.Pro880Ser; replaces proline 880 with serine.
Molecular consequence: missense variant.
Genome position (GRCh38, 1-based): chr16:3,770,812, G>A on the plus strand (C>T on the coding strand, the complement: CREBBP is on the minus strand). VCF-style: chr16-3770812-G-A. GRCh37 (hg19) VCF-style: chr16-3820813-G-A.
Other names: c.2524C>T, p.Pro842Ser (NM_001079846.1); short protein forms P880S, P842S.
Identifiers: ClinVar variation 2034660 (VCV002034660.4), dbSNP rs2052985727, ClinGen allele CA394551364.

ClinVar aggregate classification (germline): Uncertain significance (1 of 4 stars; one submission).

Conditions:
Rubinstein-Taybi syndrome (RSTS). Identifiers: Orphanet 783, MedGen C0035934, MONDO:0019188.

Allele frequency attached by ClinVar (database versions not stated): gnomAD exomes below 0.00001; TOPMed below 0.00001.
gnomAD v4.1: 2 of 1,614,114 alleles (0.00012%); highest among the groups gnomAD compares: Admixed American, 0.0017%; no homozygotes.

Submission:

Labcorp Genetics (formerly Invitae), Labcorp
Classification: Uncertain significance for Rubinstein-Taybi syndrome. Last evaluated: 2023-07-19. Review status: criteria provided, single submitter. Criteria: Invitae Variant Classification Sherloc (09022015). Collection method: clinical testing. Allele origin: germline.
Comment: In summary, the available evidence is currently insufficient to determine the role of this variant in disease. Therefore, it has been classified as a Variant of Uncertain Significance. Advanced modeling of protein sequence and biophysical properties (such as structural, functional, and spatial information, amino acid conservation, physicochemical variation, residue mobility, and thermodynamic stability) performed at Invitae indicates that this missense variant is not expected to disrupt CREBBP protein function. ClinVar contains an entry for this variant (Variation ID: 2034660). This variant has not been reported in the literature in individuals affected with CREBBP-related conditions. This variant is not present in population databases (gnomAD no frequency). This sequence change replaces proline, which is neutral and non-polar, with serine, which is neutral and polar, at codon 880 of the CREBBP protein (p.Pro880Ser).